The following is an entry in ClinVar:

NM_001384140.1(PCDH15):c.3861G>T (p.Glu1287Asp)

Gene: PCDH15 (protocadherin related 15; minus strand). Cytogenetic location: 10q21.1.
Variant type: single nucleotide variant.
Coding change: c.3861G>T on transcript NM_001384140.1 (MANE Select); coding-DNA position 3861, G replaced by T.
Protein change: p.Glu1287Asp; replaces glutamic acid 1287 with aspartic acid.
Molecular consequence: missense variant.
Genome position (GRCh38, 1-based): chr10:53,840,442, C>A on the plus strand (G>T on the coding strand, the complement: PCDH15 is on the minus strand). VCF-style: chr10-53840442-C-A. GRCh37 (hg19) VCF-style: chr10-55600202-C-A.
Other names: c.3876G>T, p.Glu1292Asp (NM_001142763.2, NM_001142771.2); c.3861G>T, p.Glu1287Asp (NM_001142764.2, NM_001142766.2, NM_001142770.3 and 4 more transcripts); c.3648G>T, p.Glu1216Asp (NM_001142765.2); c.3750G>T, p.Glu1250Asp (NM_001142767.2); c.3795G>T, p.Glu1265Asp (NM_001142768.2, NM_001142773.2, NM_001354404.2); c.3897G>T, p.Glu1299Asp (NM_001142769.4); c.3882G>T, p.Glu1294Asp (NM_001354411.2); short protein forms E1216D, E1250D, E1265D, E1287D, E1292D, E1294D, E1299D.
Identifiers: ClinVar variation 1328707 (VCV001328707.2), dbSNP rs771743967, ClinGen allele CA5505526.

ClinVar aggregate classification (germline): Uncertain significance (1 of 4 stars; one submission).

Allele frequency attached by ClinVar (database versions not stated): gnomAD exomes below 0.00001; ExAC 0.00001.

Submission:

GeneDx
Classification: Uncertain significance. Last evaluated: 2021-12-14. Review status: criteria provided, single submitter. Criteria: GeneDx Variant Classification Process June 2021. Collection method: clinical testing. Allele origin: germline. Affected: yes.
Comment: Not observed at significant frequency in large population cohorts (Lek et al., 2016); In silico analysis supports that this missense variant does not alter protein structure/function; Has not been previously published as pathogenic or benign to our knowledge